The following is an entry in ClinVar:

NM_005391.5(PDK3):c.1077+8G>A

Gene: PDK3 (pyruvate dehydrogenase kinase 3; plus strand). Cytogenetic location: Xp22.11.
Variant type: single nucleotide variant.
Coding change: c.1077+8G>A on transcript NM_005391.5 (MANE Select); 8 bases into the intron after coding-DNA position 1077, G replaced by A.
Molecular consequence: intron variant.
Genome position (GRCh38, 1-based): chrX:24,531,778, G>A. VCF-style: chrX-24531778-G-A. GRCh37 (hg19) VCF-style: chrX-24549895-G-A.
Other names: c.1077+8G>A (NM_001142386.3).
Identifiers: ClinVar variation 699917 (VCV000699917.17), dbSNP rs370736936, ClinGen allele CA10372382.
Genomic context (GRCh38, chrX:24,531,778, plus strand): 5'-TGAAACTGTATTCCATGGAAGGAGTGGGTACTGATGCTGTCATTTATTTGAAGGTACTGC[G>A]TTTTATTTGTTAGTATGAGGCATCTTTGCTTTTTAAAGCTGTAAGTTCTAATCGCTGATT-3'

ClinVar aggregate classification (germline): Benign/Likely benign. Review status: criteria provided, multiple submitters, no conflicts (2 of 4 stars). 3 submissions from 3 submitters: Benign (1); Likely benign (2). Last evaluated 2026-05-08.

Conditions:
PDK3-related disorder. Also called: PDK3-related condition.
Charcot-Marie-Tooth disease X-linked dominant 6. Also called: CHARCOT-MARIE-TOOTH NEUROPATHY, X-LINKED DOMINANT, 6. Identifiers: Orphanet 352675, MedGen C3806702, MONDO:0010479, OMIM 300905.

Allele frequency attached by ClinVar (database versions not stated): gnomAD 0.00002; gnomAD exomes 0.00002 and 0.00008; ExAC 0.00003; TOPMed 0.00005; ESP Exome Variant Server 0.00009.
gnomAD v4.1: 74 of 993,932 alleles (0.0074%); highest among the groups gnomAD compares: Non-Finnish European, 0.0098%; no homozygotes.

Submissions (3):

PreventionGenetics, part of Exact Sciences
Classification: Likely benign for PDK3-related condition. Last evaluated: 2026-05-08. Review status: criteria provided, single submitter. Criteria: ACMG Guidelines, 2015. Collection method: clinical testing. Allele origin: germline.
Comment: This variant is classified as likely benign based on ACMG/AMP sequence variant interpretation guidelines (Richards et al. 2015 PMID: 25741868, with internal and published modifications).

CeGaT Center for Human Genetics Tuebingen
Classification: Likely benign. Last evaluated: 2025-11-01. Review status: criteria provided, single submitter. Criteria: CeGaT Center For Human Genetics Tuebingen Variant Classification Criteria Version 2. Collection method: clinical testing. Allele origin: germline. Affected: yes. Observed: 1 variant allele.
Comment: PDK3: BP4, BS2

Labcorp Genetics (formerly Invitae), Labcorp
Classification: Benign for Charcot-Marie-Tooth disease X-linked dominant 6. Last evaluated: 2025-01-06. Review status: criteria provided, single submitter. Criteria: Invitae Variant Classification Sherloc (09022015). Collection method: clinical testing. Allele origin: germline.